The following is an entry in ClinVar:

NM_145207.3(AFG2A):c.940A>T (p.Ile314Leu)

Gene: AFG2A (AAA ATPase AFG2A; plus strand). Cytogenetic location: 4q28.1.
Variant type: single nucleotide variant.
Coding change: c.940A>T on transcript NM_145207.3 (MANE Select); coding-DNA position 940, A replaced by T.
Protein change: p.Ile314Leu; replaces isoleucine 314 with leucine.
Molecular consequence: missense variant.
Genome position (GRCh38, 1-based): chr4:122,934,531, A>T. VCF-style: chr4-122934531-A-T. GRCh37 (hg19) VCF-style: chr4-123855686-A-T.
Other names: c.937A>T, p.Ile313Leu (NM_001317799.2, NM_001345856.2); short protein forms I314L, I313L.
Identifiers: ClinVar variation 2188163 (VCV002188163.3), dbSNP rs796051889, ClinGen allele CA104813445.

ClinVar aggregate classification (germline): Uncertain significance (1 of 4 stars; one submission).

Conditions:
Microcephaly-intellectual disability-sensorineural hearing loss-epilepsy-abnormal muscle tone syndrome (NEDHSB). Also called: NEURODEVELOPMENTAL DISORDER WITH HEARING LOSS, SEIZURES, AND BRAIN ABNORMALITIES. Identifiers: Orphanet 457351, MedGen C4225276, MONDO:0014698, OMIM 616577.

Submission:

Labcorp Genetics (formerly Invitae), Labcorp
Classification: Uncertain significance for Microcephaly-intellectual disability-sensorineural hearing loss-epilepsy-abnormal muscle tone syndrome. Last evaluated: 2022-11-22. Review status: criteria provided, single submitter. Criteria: Invitae Variant Classification Sherloc (09022015). Collection method: clinical testing. Allele origin: germline.
Comment: In summary, the available evidence is currently insufficient to determine the role of this variant in disease. Therefore, it has been classified as a Variant of Uncertain Significance. Advanced modeling of protein sequence and biophysical properties (such as structural, functional, and spatial information, amino acid conservation, physicochemical variation, residue mobility, and thermodynamic stability) performed at Invitae indicates that this missense variant is not expected to disrupt SPATA5 protein function. This variant has not been reported in the literature in individuals affected with SPATA5-related conditions. This variant is not present in population databases (gnomAD no frequency). This sequence change replaces isoleucine, which is neutral and non-polar, with leucine, which is neutral and non-polar, at codon 314 of the SPATA5 protein (p.Ile314Leu).